The following is an entry in ClinVar:

NM_006734.4(HIVEP2):c.2941A>C (p.Met981Leu)

Gene: HIVEP2 (HIVEP zinc finger 2; minus strand). Cytogenetic location: 6q24.2.
Variant type: single nucleotide variant.
Coding change: c.2941A>C on transcript NM_006734.4 (MANE Select); coding-DNA position 2941, A replaced by C.
Protein change: p.Met981Leu; replaces methionine 981 with leucine.
Molecular consequence: missense variant.
Genome position (GRCh38, 1-based): chr6:142,771,798, T>G on the plus strand (A>C on the coding strand, the complement: HIVEP2 is on the minus strand). VCF-style: chr6-142771798-T-G. GRCh37 (hg19) VCF-style: chr6-143092935-T-G.
Other names: short protein forms M981L.
Identifiers: ClinVar variation 3675328 (VCV003675328.2).

ClinVar aggregate classification (germline): Uncertain significance (1 of 4 stars; one submission).

gnomAD v4.1: 1 of 1,614,222 alleles (0.000062%); highest among the groups gnomAD compares: Middle Eastern, 0.016%; no homozygotes.

Submission:

Labcorp Genetics (formerly Invitae), Labcorp
Classification: Uncertain significance. Last evaluated: 2025-01-24. Review status: criteria provided, single submitter. Criteria: Invitae Variant Classification Sherloc (09022015). Collection method: clinical testing. Allele origin: germline.
Comment: This sequence change replaces methionine, which is neutral and non-polar, with leucine, which is neutral and non-polar, at codon 981 of the HIVEP2 protein (p.Met981Leu). This variant is not present in population databases (gnomAD no frequency). This variant has not been reported in the literature in individuals affected with HIVEP2-related conditions. Invitae Evidence Modeling of protein sequence and biophysical properties (such as structural, functional, and spatial information, amino acid conservation, physicochemical variation, residue mobility, and thermodynamic stability) indicates that this missense variant is expected to disrupt HIVEP2 protein function with a positive predictive value of 80%. In summary, the available evidence is currently insufficient to determine the role of this variant in disease. Therefore, it has been classified as a Variant of Uncertain Significance.